The following is an entry in ClinVar:

NM_031885.5(BBS2):c.647G>C (p.Arg216Pro)

Gene: BBS2 (Bardet-Biedl syndrome 2; minus strand). Cytogenetic location: 16q13.
Variant type: single nucleotide variant.
Coding change: c.647G>C on transcript NM_031885.5 (MANE Select); coding-DNA position 647, G replaced by C.
Protein change: p.Arg216Pro; replaces arginine 216 with proline.
Molecular consequence: missense variant. On other transcripts: non-coding transcript variant (5).
Genome position (GRCh38, 1-based): chr16:56,506,190, C>G on the plus strand (G>C on the coding strand, the complement: BBS2 is on the minus strand). VCF-style: chr16-56506190-C-G. GRCh37 (hg19) VCF-style: chr16-56540102-C-G.
Other names: c.647G>C, p.Arg216Pro (NM_001377456.1); short protein forms R216P.
Identifiers: ClinVar variation 4816293 (VCV004816293.2).
Genomic context (GRCh38, chr16:56,506,190, plus strand): 5'-CAGTATCGGGATGTTTTGTCATAAACTCCAACTGTGCCATTGGAAAGGGCATAACCAAAT[C>G]GACTGCCATACATGGGACAAAGAGAGGTGACTATCTGCAAAACAATCCACAAAAACACAA-3'
Protein context (NP_114091.4, residues 206-226): VTSLCPMYGS[Arg216Pro]FGYALSNGTV

ClinVar aggregate classification (germline): Likely pathogenic. Review status: criteria provided, multiple submitters, no conflicts (2 of 4 stars). 2 submissions from 2 submitters: Likely pathogenic (2). Last evaluated 2025-12-19.

Conditions:
BBS2-related disorder. Also called: BBS2-related condition; BBS2-related disorders. Identifiers: MedGen CN239228.
Bardet-Biedl syndrome 2 (BBS2). Identifiers: Orphanet 110, MedGen C2936863, MONDO:0014432, OMIM 615981.

gnomAD v4.1: 7 of 1,613,972 alleles (0.00043%); highest among the groups gnomAD compares: Non-Finnish European, 0.00059%; no homozygotes.

Submissions (2):

Natera, Inc.
Classification: Likely pathogenic for Bardet-Biedl syndrome type 2. Last evaluated: 2025-12-19. Review status: criteria provided, single submitter. Criteria: Natera Variant Classification Schema (03/2026). Collection method: clinical testing. Allele origin: germline.
Comment: The c.647G>C variant in BBS2 is a missense variant predicted to cause substitution of arginine to proline at amino acid 216. This variant is rare in the general population with a frequency below the threshold expected for the associated phenotype(s). This variant has been observed in one or more individuals affected with the associated recessive disease, as either homozygous or compound heterozygous with a second variant (PMID: 30076350, 35065907). Computational prediction algorithms indicate this variant is likely to affect gene or protein function. Given the available evidence, this variant is classified as Likely Pathogenic.

Blueprint Genetics
Classification: Likely pathogenic for BBS2-related disorders. Last evaluated: 2019-11-26. Review status: criteria provided, single submitter. Criteria: ACMG Guidelines, 2015. Collection method: clinical testing. Allele origin: germline. Affected: yes. Observed: 2 variant alleles.

Literature cited by the submitters: PubMed 30076350 (cited by Natera, Inc.); PubMed 35065907 (cited by Natera, Inc.).